The following is an entry in ClinVar:

NM_000548.5(TSC2):c.4192C>T (p.Leu1398Phe)

Gene: TSC2 (TSC complex subunit 2; plus strand). Cytogenetic location: 16p13.3.
Variant type: single nucleotide variant.
Coding change: c.4192C>T on transcript NM_000548.5 (MANE Select); coding-DNA position 4192, C replaced by T.
Protein change: p.Leu1398Phe; replaces leucine 1398 with phenylalanine.
Molecular consequence: missense variant.
Genome position (GRCh38, 1-based): chr16:2,084,414, C>T. VCF-style: chr16-2084414-C-T. GRCh37 (hg19) VCF-style: chr16-2134415-C-T.
Other names: c.3991C>T, p.Leu1331Phe (NM_001077183.3); c.4123C>T, p.Leu1375Phe (NM_001114382.3); c.3883C>T, p.Leu1295Phe (NM_001318827.2); c.3847C>T, p.Leu1283Phe (NM_001318829.2); c.3460C>T, p.Leu1154Phe (NM_001318831.2); c.4024C>T, p.Leu1342Phe (NM_001318832.2); c.3994C>T, p.Leu1332Phe (NM_001363528.2); c.4060C>T, p.Leu1354Phe (NM_001370404.1); and 2 more; short protein forms L1283F, L1375F, L1355F, L1398F, L1154F, L1295F, L1331F, L1332F.
Identifiers: ClinVar variation 1367435 (VCV001367435.10), dbSNP rs1060500928, ClinGen allele CA394299839.

ClinVar aggregate classification (germline): Uncertain significance. Review status: criteria provided, multiple submitters, no conflicts (2 of 4 stars). 3 submissions from 3 submitters: Uncertain significance (3). Last evaluated 2025-06-13.

Conditions:
Hereditary cancer-predisposing syndrome. Also called: Hereditary neoplastic syndrome; Hereditary Cancer Syndrome; Neoplastic Syndromes, Hereditary; Tumor predisposition. Identifiers: Orphanet 140162, MedGen C0027672, MeSH D009386, MONDO:0015356.
Tuberous sclerosis 2 (TSC2). Identifiers: Orphanet 805, MedGen C1860707, MONDO:0013199, OMIM 613254.
Tuberous sclerosis syndrome (TSC). Also called: Tuberous Sclerosis Complex; Tuberous sclerosis. Identifiers: Orphanet 805, MedGen C0041341, MONDO:0001734.

gnomAD v4.1: 4 of 1,611,566 alleles (0.00025%); highest among the groups gnomAD compares: Non-Finnish European, 0.00025%; no homozygotes.

Submissions (3):

Ambry Genetics
Classification: Uncertain significance for Hereditary cancer-predisposing syndrome. Last evaluated: 2025-06-13. Review status: criteria provided, single submitter. Criteria: Ambry Variant Classification Scheme 2023. Collection method: clinical testing. Allele origin: germline.
Comment: The p.L1398F variant (also known as c.4192C>T), located in coding exon 33 of the TSC2 gene, results from a C to T substitution at nucleotide position 4192. The leucine at codon 1398 is replaced by phenylalanine, an amino acid with highly similar properties. This amino acid position is not well conserved in available vertebrate species. In addition, the in silico prediction for this alteration is inconclusive. Based on the available evidence, the clinical significance of this variant remains unclear.

All of Us Research Program, National Institutes of Health
Classification: Uncertain significance for Tuberous sclerosis syndrome. Last evaluated: 2024-07-29. Review status: criteria provided, single submitter. Criteria: ACMG Guidelines, 2015. Collection method: clinical testing. Allele origin: germline. Inheritance: Autosomal dominant inheritance. Observed: 1 variant allele, 1 heterozygote.
Comment: This missense variant replaces leucine with phenylalanine at codon 1398 of the TSC2 protein. Computational prediction is inconclusive regarding the impact of this variant on protein structure and function. To our knowledge, functional studies have not been reported for this variant. This variant has not been reported in individuals affected with TSC2-related disorders in the literature. This variant has not been identified in the general population by the Genome Aggregation Database (gnomAD). The available evidence is insufficient to determine the role of this variant in disease conclusively. Therefore, this variant is classified as a Variant of Uncertain Significance.

This study involves interpretation of variants in research participants for the purpose of population health screening. Participant phenotype was not available at the time of variant classification. Additional details can be found in publication PMID: 35346344, PMCID: PMC8962531

Labcorp Genetics (formerly Invitae), Labcorp
Classification: Uncertain significance for Tuberous sclerosis 2. Last evaluated: 2023-11-17. Review status: criteria provided, single submitter. Criteria: Invitae Variant Classification Sherloc (09022015). Collection method: clinical testing. Allele origin: germline.
Comment: This sequence change replaces leucine, which is neutral and non-polar, with phenylalanine, which is neutral and non-polar, at codon 1398 of the TSC2 protein (p.Leu1398Phe). This variant is not present in population databases (gnomAD no frequency). This variant has not been reported in the literature in individuals affected with TSC2-related conditions. ClinVar contains an entry for this variant (Variation ID: 1367435). Advanced modeling of protein sequence and biophysical properties (such as structural, functional, and spatial information, amino acid conservation, physicochemical variation, residue mobility, and thermodynamic stability) performed at Invitae indicates that this missense variant is not expected to disrupt TSC2 protein function with a negative predictive value of 95%. In summary, the available evidence is currently insufficient to determine the role of this variant in disease. Therefore, it has been classified as a Variant of Uncertain Significance.